The following is an entry in ClinVar:

NM_138694.4(PKHD1):c.*2331C>T

Gene: PKHD1 (PKHD1 ciliary IPT domain containing fibrocystin/polyductin; minus strand). Cytogenetic location: 6p12.3.
Variant type: single nucleotide variant.
Coding change: c.*2331C>T on transcript NM_138694.4 (MANE Select); 2331 bases downstream of the stop codon, C replaced by T.
Molecular consequence: 3 prime UTR variant.
Genome position (GRCh38, 1-based): chr6:51,616,750, G>A on the plus strand (C>T on the coding strand, the complement: PKHD1 is on the minus strand). VCF-style: chr6-51616750-G-A. GRCh37 (hg19) VCF-style: chr6-51481548-G-A.
Identifiers: ClinVar variation 357371 (VCV000357371.6), dbSNP rs76762827, ClinGen allele CA10627224.

ClinVar aggregate classification (germline): Likely benign. Review status: criteria provided, multiple submitters, no conflicts (2 of 4 stars). 2 submissions from 2 submitters: Likely benign (2). Last evaluated 2018-01-13.

Conditions:
Autosomal recessive polycystic kidney disease (ARPKD). Also called: AR polycystic kidney disease. Identifiers: Orphanet 731, Orphanet 8378, MedGen C0085548, MeSH D017044, MONDO:0009889.

Allele frequency attached by ClinVar (database versions not stated): 1000 Genomes Project 0.01198; 1000 Genomes Project 30x 0.01218; TOPMed 0.03416; gnomAD 0.03884 and 0.04028; gnomAD exomes 0.05040.
gnomAD v4.1: 18,125 of 398,242 alleles (4.6%); highest among the groups gnomAD compares: Non-Finnish European, 6.3%; 599 homozygotes.

Submissions (2):

Illumina Laboratory Services, Illumina
Classification: Likely benign for Polycystic kidney disease 4. Last evaluated: 2018-01-13. Review status: criteria provided, single submitter. Criteria: ICSL Variant Classification Criteria 13 December 2019. Collection method: clinical testing. Allele origin: germline.
Comment: This variant was observed in the ICSL laboratory as part of a predisposition screen in an ostensibly healthy population. It had not been previously curated by ICSL or reported in the Human Gene Mutation Database (HGMD: prior to June 1st, 2018), and was therefore a candidate for classification through an automated scoring system. Utilizing variant allele frequency, disease prevalence and penetrance estimates, and inheritance mode, an automated score was calculated to assess if this variant is too frequent to cause the disease. Based on the score and internal cut-off values, a variant classified as likely benign is not then subjected to further curation. The score for this variant resulted in a classification of likely benign for this disease.

Breakthrough Genomics
Classification: Likely benign. Review status: criteria provided, single submitter. Criteria: ACMG Guidelines, 2015. Collection method: not provided. Allele origin: germline. Inheritance: Autosomal recessive inheritance. Affected: yes.